The following is an entry in ClinVar:

ClinVar aggregate classification (germline): Uncertain significance (1 of 4 stars; one submission).

Conditions:
HSD3B7-related disorder. Also called: HSD3B7-related condition.

gnomAD v4.1: 20 of 1,613,948 alleles (0.0012%); highest among the groups gnomAD compares: Non-Finnish European, 0.0017%; no homozygotes.

Submission:

PreventionGenetics, part of Exact Sciences
Classification: Uncertain significance for HSD3B7-related condition. Last evaluated: 2025-09-16. Review status: criteria provided, single submitter. Criteria: ACMG Guidelines, 2015. Collection method: clinical testing. Allele origin: germline.
Comment: The HSD3B7 c.224C>T variant is predicted to result in the amino acid substitution p.Ala75Val. To our knowledge, this variant has not been reported in the literature. This variant is reported in 0.00088% of alleles in individuals of European (Non-Finnish) descent in gnomAD. At this time, the clinical significance of this variant is uncertain due to the absence of conclusive functional and genetic evidence.

NM_025193.4(HSD3B7):c.224C>T (p.Ala75Val)

Gene: HSD3B7 (hydroxy-delta-5-steroid dehydrogenase, 3 beta- and steroid delta-isomerase 7; plus strand). Cytogenetic location: 16p11.2.
Variant type: single nucleotide variant.
Coding change: c.224C>T on transcript NM_025193.4 (MANE Select); coding-DNA position 224, C replaced by T.
Protein change: p.Ala75Val; replaces alanine 75 with valine.
Molecular consequence: missense variant.
Genome position (GRCh38, 1-based): chr16:30,986,106, C>T. VCF-style: chr16-30986106-C-T. GRCh37 (hg19) VCF-style: chr16-30997427-C-T.
Other names: c.224C>T, p.Ala75Val (NM_001142777.2, NM_001142778.2); short protein forms A75V.
Identifiers: ClinVar variation 4987591 (VCV004987591.1).